The following is an entry in ClinVar:

NM_001035.3(RYR2):c.365G>A (p.Arg122His)

Gene: RYR2 (ryanodine receptor 2; plus strand). Cytogenetic location: 1q43.
Variant type: single nucleotide variant.
Coding change: c.365G>A on transcript NM_001035.3 (MANE Select); coding-DNA position 365, G replaced by A.
Protein change: p.Arg122His; replaces arginine 122 with histidine.
Molecular consequence: missense variant.
Genome position (GRCh38, 1-based): chr1:237,369,589, G>A. VCF-style: chr1-237369589-G-A. GRCh37 (hg19) VCF-style: chr1-237532889-G-A.
Other names: short protein forms R122H.
Identifiers: ClinVar variation 165069 (VCV000165069.23), dbSNP rs727503396, ClinGen allele CA009317.

ClinVar aggregate classification (germline): Conflicting classifications of pathogenicity. Review status: criteria provided, conflicting classifications (1 of 4 stars). 7 submissions from 7 submitters: Likely pathogenic (1); Uncertain significance (6). Last evaluated 2024-06-03.

Conditions:
Cardiovascular phenotype. Identifiers: MedGen CN230736.
Cardiomyopathy (CMYO). Also called: Cardiomyopathies. Identifiers: Orphanet 167848, MedGen C0878544, MONDO:0004994, HP:0001638. Inheritance: Various modes of inheritance.
Catecholaminergic polymorphic ventricular tachycardia (CVPT). Also called: Catecholamine-induced polymorphic ventricular tachycardia. Identifiers: Orphanet 3286, MedGen C5574922, MONDO:0017990.
Catecholaminergic polymorphic ventricular tachycardia 1. Also called: RYR2-Related Catecholaminergic Polymorphic Ventricular Tachycardia; VENTRICULAR TACHYCARDIA, STRESS-INDUCED POLYMORPHIC 1; VENTRICULAR TACHYCARDIA, CATECHOLAMINERGIC POLYMORPHIC, 1, WITH OR WITHOUT ATRIAL DYSFUNCTION AND/OR DILATED CARDIOMYOPATHY. Identifiers: Orphanet 3286, MedGen C1631597, MONDO:0011484, OMIM 604772.

Allele frequency attached by ClinVar (database versions not stated): gnomAD exomes below 0.00001; gnomAD 0.00001; TOPMed 0.00001.
gnomAD v4.1: 4 of 1,562,588 alleles (0.00026%); highest among the groups gnomAD compares: East Asian, 0.0024%; no homozygotes.

Submissions (7):

Labcorp Genetics (formerly Invitae), Labcorp
Classification: Uncertain significance for Catecholaminergic polymorphic ventricular tachycardia 1. Last evaluated: 2024-06-03. Review status: criteria provided, single submitter. Criteria: Invitae Variant Classification Sherloc (09022015). Collection method: clinical testing. Allele origin: germline.
Comment: This sequence change replaces arginine, which is basic and polar, with histidine, which is basic and polar, at codon 122 of the RYR2 protein (p.Arg122His). The frequency data for this variant in the population databases is considered unreliable, as metrics indicate poor data quality at this position in the gnomAD database. This missense change has been observed in individual(s) with clinical features of RYR2-related conditions (PMID: 30847666, 30975432, 31112425). ClinVar contains an entry for this variant (Variation ID: 165069). Advanced modeling of protein sequence and biophysical properties (such as structural, functional, and spatial information, amino acid conservation, physicochemical variation, residue mobility, and thermodynamic stability) has been performed at Invitae for this missense variant, however the output from this modeling did not meet the statistical confidence thresholds required to predict the impact of this variant on RYR2 protein function. In summary, the available evidence is currently insufficient to determine the role of this variant in disease. Therefore, it has been classified as a Variant of Uncertain Significance.

Color Diagnostics, LLC DBA Color Health
Classification: Uncertain significance for Cardiomyopathy. Last evaluated: 2024-05-13. Review status: criteria provided, single submitter. Criteria: ACMG Guidelines, 2015. Collection method: clinical testing. Allele origin: germline.
Comment: This missense variant replaces arginine with histidine at codon 122 of the RYR2 protein. Computational prediction suggests that this variant may have deleterious impact on protein structure and function (internally defined REVEL score threshold >= 0.7, PMID: 27666373). To our knowledge, functional studies have not been reported for this variant. This variant has been reported in homozygosity in an individual affected with idiopathic ventricular fibrillation and resuscitated sudden cardiac death ((PMID: 29568272, 30975432). Both parents were heterozygous and asymptomatic exhibiting no obvious cardiac pathological phenotype. This variant has also been reported in a family and an unrelated individual affected with catecholaminergic polymorphic ventricular tachycardia (PMID: 31112425, 31231889). This variant has not been identified in the general population by the Genome Aggregation Database (gnomAD). The available evidence is insufficient to determine the role of this variant in disease conclusively. Therefore, this variant is classified as a Variant of Uncertain Significance.

All of Us Research Program, National Institutes of Health
Classification: Uncertain significance for Catecholaminergic polymorphic ventricular tachycardia. Last evaluated: 2023-05-15. Review status: criteria provided, single submitter. Criteria: ACMG Guidelines, 2015. Collection method: clinical testing. Allele origin: germline. Inheritance: Autosomal dominant inheritance. Observed: 3 variant alleles, 3 heterozygotes.
Comment: This missense variant replaces arginine with histidine at codon 122 of the RYR2 protein. Computational prediction suggests that this variant may have deleterious impact on protein structure and function (internally defined REVEL score threshold >= 0.7, PMID: 27666373). To our knowledge, functional studies have not been reported for this variant. This variant has been reported in homozygosity in an individual affected with idiopathic ventricular fibrillation and resuscitated sudden cardiac death ((PMID: 29568272, 30975432). Both parents were heterozygous and asymptomatic exhibiting no obvious cardiac pathological phenotype. This variant has also been reported in a family and an unrelated individual affected with catecholaminergic polymorphic ventricular tachycardia (PMID: 31112425, 31231889). This variant has not been identified in the general population by the Genome Aggregation Database (gnomAD). The available evidence is insufficient to determine the role of this variant in disease conclusively. Therefore, this variant is classified as a Variant of Uncertain Significance.

This study involves interpretation of variants in research participants for the purpose of population health screening. Participant phenotype was not available at the time of variant classification. Additional details can be found in publication PMID: 35346344, PMCID: PMC8962531

Ambry Genetics
Classification: Uncertain significance for Cardiovascular phenotype. Last evaluated: 2022-10-28. Review status: criteria provided, single submitter. Criteria: Ambry Variant Classification Scheme 2023. Collection method: clinical testing. Allele origin: germline.
Comment: The p.R122H variant (also known as c.365G>A), located in coding exon 6 of the RYR2 gene, results from a G to A substitution at nucleotide position 365. The arginine at codon 122 is replaced by histidine, an amino acid with highly similar properties. Additionally, this alteration has been detected in CPVT cohorts; however, clinical details were limited (Kapplinger JD et al. Circ Genom Precis Med, 2018 02;11:e001424; Franciosi S et al. J Cardiovasc Electrophysiol, 2019 10;30:1923-1929; Giudicessi JR et al. Circ Genom Precis Med, 2019 05;12:e002510). This amino acid position is highly conserved in available vertebrate species. In addition, the in silico prediction for this alteration is inconclusive. Since supporting evidence is limited at this time, the clinical significance of this alteration remains unclear.

Blueprint Genetics
Classification: Uncertain significance. Last evaluated: 2022-06-09. Review status: criteria provided, single submitter. Criteria: ACMG Guidelines, 2015. Collection method: clinical testing. Allele origin: germline.

Molecular Diagnostic Laboratory for Inherited Cardiovascular Disease, Montreal Heart Institute
Classification: Likely pathogenic for Cardiovascular phenotype. Last evaluated: 2020-07-15. Review status: criteria provided, single submitter. Criteria: ACMG Guidelines, 2015. Collection method: clinical testing. Allele origin: germline. Affected: yes.

Laboratory for Molecular Medicine, Mass General Brigham Personalized Medicine
Classification: Uncertain significance. Last evaluated: 2013-12-26. Review status: criteria provided, single submitter. Criteria: LMM Criteria. Collection method: clinical testing. Allele origin: germline. Observed: 1 variant allele.
Comment: The Arg122His variant in RYR2 has not been previously reported in individuals wi th cardiomyopathy or in large population studies. Computational analyses (bioch emical amino acid properties, conservation, AlignGVGD, PolyPhen2, and SIFT) sugg est that this variant may impact the protein, though this information is not pre dictive enough to determine pathogenicity. In summary, additional information is needed to fully assess the clinical significance of this variant.

Literature cited by the submitters: PubMed 30847666 (cited by Labcorp Genetics (formerly Invitae), Labcorp); PubMed 30975432 (cited by 3 submitters); PubMed 31112425 (cited by 4 submitters); PubMed 29568272 (cited by 3 submitters); PubMed 31231889 (cited by 3 submitters); PubMed 29453246 (cited by Ambry Genetics).